The following is an entry in ClinVar:

ClinVar aggregate classification (germline): Likely benign (1 of 4 stars; one submission).

Conditions:
EP300-related disorder. Also called: EP300-related condition; EP300-related disorders.

Submission:

PreventionGenetics, part of Exact Sciences
Classification: Likely benign for EP300-related condition. Last evaluated: 2026-05-01. Review status: criteria provided, single submitter. Criteria: ACMG Guidelines, 2015. Collection method: clinical testing. Allele origin: germline.
Comment: This variant is classified as likely benign based on ACMG/AMP sequence variant interpretation guidelines (Richards et al. 2015 PMID: 25741868, with internal and published modifications).

NM_001429.4(EP300):c.4264T>C (p.Leu1422=)

Gene: EP300 (EP300 lysine acetyltransferase; plus strand). Cytogenetic location: 22q13.2.
Variant type: single nucleotide variant.
Coding change: c.4264T>C on transcript NM_001429.4 (MANE Select); coding-DNA position 4264, T replaced by C.
Protein change: p.Leu1422=; no amino-acid change (leucine 1422 retained).
Molecular consequence: synonymous variant.
Genome position (GRCh38, 1-based): chr22:41,169,594, T>C. VCF-style: chr22-41169594-T-C. GRCh37 (hg19) VCF-style: chr22-41565598-T-C.
Other names: c.4186T>C, p.Leu1396= (NM_001362843.2).
Identifiers: ClinVar variation 5000714 (VCV005000714.1).